The following is an entry in ClinVar:

NM_002230.4(JUP):c.916A>G (p.Ile306Val)

Gene: JUP (junction plakoglobin; minus strand). Cytogenetic location: 17q21.2.
Variant type: single nucleotide variant.
Coding change: c.916A>G on transcript NM_002230.4 (MANE Select); coding-DNA position 916, A replaced by G.
Protein change: p.Ile306Val; replaces isoleucine 306 with valine.
Molecular consequence: missense variant.
Genome position (GRCh38, 1-based): chr17:41,765,061, T>C on the plus strand (A>G on the coding strand, the complement: JUP is on the minus strand). VCF-style: chr17-41765061-T-C. GRCh37 (hg19) VCF-style: chr17-39921313-T-C.
Other names: c.916A>G, p.Ile306Val (NM_001352773.2, NM_001352774.2, NM_001352775.2 and 3 more transcripts); short protein forms I306V.
Identifiers: ClinVar variation 1766022 (VCV001766022.3), dbSNP rs1915491813, ClinGen allele CA399499617.

ClinVar aggregate classification (germline): Uncertain significance (1 of 4 stars; one submission).

Conditions:
Cardiovascular phenotype. Identifiers: MedGen CN230736.

Allele frequency attached by ClinVar (database versions not stated): gnomAD 0.00001.
gnomAD v4.1: 1 of 1,613,912 alleles (0.000062%); highest among the groups gnomAD compares: African/African-American, 0.0013%; no homozygotes.

Submission:

Ambry Genetics
Classification: Uncertain significance for Cardiovascular phenotype. Last evaluated: 2025-08-25. Review status: criteria provided, single submitter. Criteria: Ambry Variant Classification Scheme 2023. Collection method: clinical testing. Allele origin: germline.
Comment: The p.I306V variant (also known as c.916A>G), located in coding exon 5 of the JUP gene, results from an A to G substitution at nucleotide position 916. The isoleucine at codon 306 is replaced by valine, an amino acid with highly similar properties. This amino acid position is highly conserved in available vertebrate species. In addition, this alteration is predicted to be tolerated by in silico analysis. Based on the available evidence, the clinical significance of this variant remains unclear.